The following is an entry in ClinVar:

ClinVar aggregate classification (germline): Uncertain significance (1 of 4 stars; one submission).

Allele frequency attached by ClinVar (database versions not stated): gnomAD exomes below 0.00001; ExAC 0.00001.

Submissions (2):

Labcorp Genetics (formerly Invitae), Labcorp
Classification: Uncertain significance. Last evaluated: 2022-03-01. Review status: criteria provided, single submitter. Criteria: Invitae Variant Classification Sherloc (09022015). Collection method: clinical testing. Allele origin: germline.
Comment: In summary, the available evidence is currently insufficient to determine the role of this variant in disease. Therefore, it has been classified as a Variant of Uncertain Significance. Algorithms developed to predict the effect of sequence changes on RNA splicing suggest that this variant may create or strengthen a splice site. This variant has not been reported in the literature in individuals affected with TMEM107-related conditions. This variant is present in population databases (rs770976637, gnomAD 0.0009%). This sequence change creates a premature translational stop signal (p.Tyr118*) in the TMEM107 gene. While this is not anticipated to result in nonsense mediated decay, it is expected to disrupt the last 29 amino acid(s) of the TMEM107 protein.

Dr. Peter K. Rogan Lab, Western University
No classification provided (evidence only). Condition: Melanoma. Review status: no classification provided. Collection method: in vitro. Allele origin: not applicable. Functional consequence: cryptic splice site, retained intron. Not counted in ClinVar's aggregate classification.

NM_183065.4(TMEM107):c.336C>A (p.Tyr112Ter)

Genes: TMEM107 (transmembrane protein 107; minus strand), LOC105371520 (uncharacterized LOC105371520; plus strand). Cytogenetic location: 17p13.1.
Variant type: single nucleotide variant.
Coding change: c.336C>A on transcript NM_183065.4 (MANE Select); coding-DNA position 336, C replaced by A.
Protein change: p.Tyr112Ter; replaces tyrosine 112 with a stop codon.
Molecular consequence: nonsense. On other transcripts: intron variant (3).
Genome position (GRCh38, 1-based): chr17:8,174,537, G>T on the plus strand (C>A on the coding strand, the complement: TMEM107 is on the minus strand). VCF-style: chr17-8174537-G-T. GRCh37 (hg19) VCF-style: chr17-8077855-G-T.
Other names: c.354C>A, p.Tyr118Ter (NM_032354.5); c.156-265C>A (NM_001351280.2); c.332+4C>A (NM_001351279.2); c.350+4C>A (NM_001351278.2); short protein forms Y118*, Y112*.
Identifiers: ClinVar variation 1503940 (VCV001503940.7), dbSNP rs770976637, ClinGen allele CA8370949.